The following is an entry in ClinVar:

ClinVar aggregate classification (germline): Likely pathogenic (1 of 4 stars; one submission).

Conditions:
Polyglandular autoimmune syndrome, type 1 (APS1). Also called: PGA I; Autoimmune polyendocrinopathy syndrome , type I, with or without reversible metaphyseal dysplasia; AUTOIMMUNE POLYENDOCRINE SYNDROME, TYPE I, WITH OR WITHOUT REVERSIBLE METAPHYSEAL DYSPLASIA; APS I; Whitaker syndrome; HYPOADRENOCORTICISM WITH HYPOPARATHYROIDISM AND SUPERFICIAL MONILIASIS. Identifiers: Orphanet 3453, MedGen C0085859, MONDO:0009411, OMIM 240300.

Submission:

Natera, Inc.
Classification: Likely pathogenic for Polyglandular autoimmune syndrome type 1. Last evaluated: 2024-12-12. Review status: criteria provided, single submitter. Criteria: Natera Variant Classification Schema (03/2026). Collection method: clinical testing. Allele origin: germline.
Comment: The c.995+2T>C variant in AIRE is a canonical splice donor site variant predicted to affect pre-mRNA splicing, which may result in an abnormal transcript and altered protein product. This variant is expected to result in nonsense mediated decay, truncation, or a dysfunctional protein product. This variant is rare in the general population with a frequency below the threshold expected for the associated phenotype(s). Given the available evidence, this variant is classified as Likely Pathogenic.

NM_000383.4(AIRE):c.995+2T>C

Gene: AIRE (autoimmune regulator; plus strand). Cytogenetic location: 21q22.3.
Variant type: single nucleotide variant.
Coding change: c.995+2T>C on transcript NM_000383.4 (MANE Select); the canonical splice donor site of the intron after coding-DNA position 995, T replaced by C.
Molecular consequence: splice donor variant.
Genome position (GRCh38, 1-based): chr21:44,291,212, T>C. VCF-style: chr21-44291212-T-C. GRCh37 (hg19) VCF-style: chr21-45711095-T-C.
Identifiers: ClinVar variation 4818294 (VCV004818294.1).
Genomic context (GRCh38, chr21:44,291,212, plus strand): 5'-GGCTGCCCTCGGGCCTTCCACCTGGCCTGCCTGTCCCCTCCGCTCCGGGAGATCCCCAGG[T>C]GAGCCTGCACCTCTGCCAGCGCAACCAGGCCACCCCGGTTCACGGCCGCCTCCACCCACT-3'